The following is an entry in ClinVar:

NM_003579.4(RAD54L):c.1811T>C (p.Met604Thr)

Gene: RAD54L (RAD54 like; plus strand). Cytogenetic location: 1p34.1.
Variant type: single nucleotide variant.
Coding change: c.1811T>C on transcript NM_003579.4 (MANE Select); coding-DNA position 1811, T replaced by C.
Protein change: p.Met604Thr; replaces methionine 604 with threonine.
Molecular consequence: missense variant.
Genome position (GRCh38, 1-based): chr1:46,274,659, T>C. VCF-style: chr1-46274659-T-C. GRCh37 (hg19) VCF-style: chr1-46740331-T-C.
Other names: c.1811T>C, p.Met604Thr (NM_001142548.2); c.1271T>C, p.Met424Thr (NM_001370766.1); short protein forms M604T, M424T.
Identifiers: ClinVar variation 2467530 (VCV002467530.2), dbSNP rs145755477, ClinGen allele CA834719.

ClinVar aggregate classification (germline): Uncertain significance (1 of 4 stars; one submission).

Allele frequency attached by ClinVar (database versions not stated): gnomAD 0.00001; TOPMed 0.00001; ESP Exome Variant Server 0.00008.
gnomAD v4.1: 3 of 1,614,022 alleles (0.00019%); highest among the groups gnomAD compares: East Asian, 0.0022%; no homozygotes.

Submission:

Ambry Genetics
Classification: Uncertain significance. Last evaluated: 2023-01-01. Review status: criteria provided, single submitter. Criteria: Ambry Variant Classification Scheme 2023. Collection method: clinical testing. Allele origin: germline.
Comment: The p.M604T variant (also known as c.1811T>C), located in coding exon 16 of the RAD54L gene, results from a T to C substitution at nucleotide position 1811. The methionine at codon 604 is replaced by threonine, an amino acid with similar properties. This amino acid position is conserved. In addition, this alteration is predicted to be deleterious by in silico analysis. Since supporting evidence is limited at this time, the clinical significance of this alteration remains unclear.